The following is an entry in ClinVar:

ClinVar aggregate classification (germline): Uncertain significance. Review status: criteria provided, multiple submitters, no conflicts (2 of 4 stars). 3 submissions from 3 submitters: Uncertain significance (3). Last evaluated 2025-02-06.

Conditions:
Emery-Dreifuss muscular dystrophy 4, autosomal dominant (EDMD4). Also called: EMERY-DREIFUSS MUSCULAR DYSTROPHY 4 WITH VARIABLE FEATURES. Identifiers: Orphanet 261, MedGen C2751807, MONDO:0013071, OMIM 612998.
Autosomal recessive ataxia, Beauce type. Also called: SYNE1-Related Autosomal Recessive Cerebellar Ataxia; Spinocerebellar ataxia, autosomal recessive 8; ATAXIA, RECESSIVE, OF BEAUCE; SYNE1 Deficiency. Identifiers: Orphanet 88644, MedGen C1853116, MONDO:0012549, OMIM 610743.

Allele frequency attached by ClinVar (database versions not stated): TOPMed 0.00002; ExAC 0.00006; gnomAD exomes 0.00006; ESP Exome Variant Server 0.00008; 1000 Genomes Project 30x 0.00016; 1000 Genomes Project 0.00020.
gnomAD v4.1: 46 of 1,614,118 alleles (0.0028%); highest among the groups gnomAD compares: South Asian, 0.024%; no homozygotes.

Submissions (3):

Labcorp Genetics (formerly Invitae), Labcorp
Classification: Uncertain significance for Emery-Dreifuss muscular dystrophy 4, autosomal dominant; Autosomal recessive ataxia, Beauce type. Last evaluated: 2025-02-06. Review status: criteria provided, single submitter. Criteria: Invitae Variant Classification Sherloc (09022015). Collection method: clinical testing. Allele origin: germline.
Comment: This sequence change replaces alanine, which is neutral and non-polar, with valine, which is neutral and non-polar, at codon 3306 of the SYNE1 protein (p.Ala3306Val). This variant is present in population databases (rs373760161, gnomAD 0.03%). This variant has not been reported in the literature in individuals affected with SYNE1-related conditions. ClinVar contains an entry for this variant (Variation ID: 497825). An algorithm developed to predict the effect of missense changes on protein structure and function outputs the following: PolyPhen-2: "Benign". The valine amino acid residue is found in multiple mammalian species, which suggests that this missense change does not adversely affect protein function. In summary, the available evidence is currently insufficient to determine the role of this variant in disease. Therefore, it has been classified as a Variant of Uncertain Significance.

Revvity Omics, Revvity
Classification: Uncertain significance. Last evaluated: 2023-04-11. Review status: criteria provided, single submitter. Criteria: ACMG Guidelines, 2015. Collection method: clinical testing. Allele origin: germline.

Eurofins Ntd Llc (ga)
Classification: Uncertain significance. Last evaluated: 2016-10-19. Review status: criteria provided, single submitter. Criteria: EGL Classification Definitions 2015. Collection method: clinical testing. Allele origin: germline. Observed: 1 variant allele, 1 heterozygote.

NM_182961.4(SYNE1):c.9896C>T (p.Ala3299Val)

Gene: SYNE1 (spectrin repeat containing nuclear envelope protein 1; minus strand). Cytogenetic location: 6q25.2.
Variant type: single nucleotide variant.
Coding change: c.9896C>T on transcript NM_182961.4 (MANE Select); coding-DNA position 9896, C replaced by T.
Protein change: p.Ala3299Val; replaces alanine 3299 with valine.
Molecular consequence: missense variant.
Genome position (GRCh38, 1-based): chr6:152,367,294, G>A on the plus strand (C>T on the coding strand, the complement: SYNE1 is on the minus strand). VCF-style: chr6-152367294-G-A. GRCh37 (hg19) VCF-style: chr6-152688429-G-A.
Other names: c.9917C>T (NM_033071.3); c.9917C>T, p.Ala3306Val (NM_033071.5); short protein forms A3299V, A3306V.
Identifiers: ClinVar variation 497825 (VCV000497825.14), dbSNP rs373760161, ClinGen allele CA4057164.
Genomic context (GRCh38, chr6:152,367,294, plus strand): 5'-CTGCTGTCCAGCACACTTTTGTCGGATGTCGGGTGGCAGTATGAATCCAGCATGTGAATC[G>A]CATCCGTCATCCAGTCTTGTAATTCTTTAATCCCAAGAGAGAACTGATTGTGTTCTGCAA-3'
Protein context (NP_892006.3, residues 3289-3309): IKELQDWMTD[Ala3299Val]IHMLDSYCHP